The following is an entry in ClinVar:

NM_000548.5(TSC2):c.4021A>G (p.Ser1341Gly)

Gene: TSC2 (TSC complex subunit 2; plus strand). Cytogenetic location: 16p13.3.
Variant type: single nucleotide variant.
Coding change: c.4021A>G on transcript NM_000548.5 (MANE Select); coding-DNA position 4021, A replaced by G.
Protein change: p.Ser1341Gly; replaces serine 1341 with glycine.
Molecular consequence: missense variant.
Genome position (GRCh38, 1-based): chr16:2,084,243, A>G. VCF-style: chr16-2084243-A-G. GRCh37 (hg19) VCF-style: chr16-2134244-A-G.
Other names: c.3820A>G, p.Ser1274Gly (NM_001077183.3); c.3952A>G, p.Ser1318Gly (NM_001114382.3); c.3712A>G, p.Ser1238Gly (NM_001318827.2); c.3676A>G, p.Ser1226Gly (NM_001318829.2); c.3289A>G, p.Ser1097Gly (NM_001318831.2); c.3853A>G, p.Ser1285Gly (NM_001318832.2); c.3823A>G, p.Ser1275Gly (NM_001363528.2); c.3889A>G, p.Ser1297Gly (NM_001370404.1); and 1 more; short protein forms S1285G, S1341G, S1274G, S1318G, S1097G, S1226G, S1238G, S1275G.
Identifiers: ClinVar variation 962390 (VCV000962390.9), dbSNP rs2090480803, ClinGen allele CA394299191.

ClinVar aggregate classification (germline): Uncertain significance (1 of 4 stars; one submission).

Conditions:
Tuberous sclerosis 2 (TSC2). Identifiers: Orphanet 805, MedGen C1860707, MONDO:0013199, OMIM 613254.

Submission:

Labcorp Genetics (formerly Invitae), Labcorp
Classification: Uncertain significance for Tuberous sclerosis 2. Last evaluated: 2019-08-06. Review status: criteria provided, single submitter. Criteria: Invitae Variant Classification Sherloc (09022015). Collection method: clinical testing. Allele origin: germline.
Comment: This sequence change replaces serine with glycine at codon 1341 of the TSC2 protein (p.Ser1341Gly). The serine residue is highly conserved and there is a small physicochemical difference between serine and glycine. This variant is not present in population databases (ExAC no frequency). In summary, the available evidence is currently insufficient to determine the role of this variant in disease. Therefore, it has been classified as a Variant of Uncertain Significance. Algorithms developed to predict the effect of missense changes on protein structure and function are either unavailable or do not agree on the potential impact of this missense change (SIFT: "Deleterious"; PolyPhen-2: "Probably Damaging"; Align-GVGD: "Class C0"). This variant has not been reported in the literature in individuals with TSC2-related conditions.